The following is an entry in ClinVar:

NM_020928.2(ZSWIM6):c.402G>C (p.Ala134=)

Gene: ZSWIM6 (zinc finger SWIM-type containing 6; plus strand). Cytogenetic location: 5q12.1.
Variant type: single nucleotide variant.
Coding change: c.402G>C on transcript NM_020928.2 (MANE Select); coding-DNA position 402, G replaced by C.
Protein change: p.Ala134=; no amino-acid change (alanine 134 retained).
Molecular consequence: synonymous variant.
Genome position (GRCh38, 1-based): chr5:61,332,674, G>C. VCF-style: chr5-61332674-G-C. GRCh37 (hg19) VCF-style: chr5-60628501-G-C.
Identifiers: ClinVar variation 3039439 (VCV003039439.2), dbSNP rs1235008491, ClinGen allele CA444673820.
Genomic context (GRCh38, chr5:61,332,674, plus strand): 5'-CCCCCGCAGCGAGCGGGAGATCTGCATGTACTCGTCCTTCAACACCGGCGGCGGCGCCGC[G>C]GGCGGCCCCGGCGACGACAGCGGTGGCGGCGGCGGCGCGGGCGGCGGCGGCGGCGGCGGC-3'
Protein context (NP_065979.1, residues 124-144): YSSFNTGGGA[Ala134=]GGPGDDSGGG

ClinVar aggregate classification (germline): Likely benign (0 of 4 stars; one submission).

Conditions:
ZSWIM6-related disorder. Also called: ZSWIM6-related condition.

Allele frequency attached by ClinVar (database versions not stated): TOPMed 0.00001.

Submission:

PreventionGenetics, part of Exact Sciences
Classification: Likely benign for ZSWIM6-related condition. Last evaluated: 2019-02-27. Review status: no assertion criteria provided. Collection method: clinical testing. Allele origin: germline.
Comment: This variant is classified as likely benign based on ACMG/AMP sequence variant interpretation guidelines (Richards et al. 2015 PMID: 25741868, with internal and published modifications).